The following is an entry in ClinVar:

ClinVar aggregate classification (germline): Uncertain significance (1 of 4 stars; one submission).

Conditions:
Brugada syndrome. Also called: Sudden unexplained nocturnal death syndrome; Sudden unexpected nocturnal death syndrome; Sudden Unexplained Death Syndrome; Sudden Unexplained Nocturnal Death Syndrome (SUNDS). Identifiers: Orphanet 130, MedGen C1142166, MONDO:0015263.

Submission:

Labcorp Genetics (formerly Invitae), Labcorp
Classification: Uncertain significance for Brugada syndrome. Last evaluated: 2019-03-15. Review status: criteria provided, single submitter. Criteria: Invitae Variant Classification Sherloc (09022015). Collection method: clinical testing. Allele origin: germline.
Comment: Algorithms developed to predict the effect of missense changes on protein structure and function are either unavailable or do not agree on the potential impact of this missense change (SIFT: "Tolerated"; PolyPhen-2: "Possibly Damaging"; Align-GVGD: "Class C0"). This sequence change replaces serine with threonine at codon 1047 of the SCN10A protein (p.Ser1047Thr). The serine residue is moderately conserved and there is a small physicochemical difference between serine and threonine. This variant is not present in population databases (ExAC no frequency). This variant has not been reported in the literature in individuals with SCN10A-related conditions. In summary, the available evidence is currently insufficient to determine the role of this variant in disease. Therefore, it has been classified as a Variant of Uncertain Significance.

NM_006514.4(SCN10A):c.3140G>C (p.Ser1047Thr)

Genes: SCN10A (sodium voltage-gated channel alpha subunit 10; minus strand), LOC110121288 (VISTA enhancer hs2268; plus strand). Cytogenetic location: 3p22.2.
Variant type: single nucleotide variant.
Coding change: c.3140G>C on transcript NM_006514.4 (MANE Select); coding-DNA position 3140, G replaced by C.
Protein change: p.Ser1047Thr; replaces serine 1047 with threonine.
Molecular consequence: missense variant.
Genome position (GRCh38, 1-based): chr3:38,725,262, C>G on the plus strand (G>C on the coding strand, the complement: SCN10A is on the minus strand). VCF-style: chr3-38725262-C-G. GRCh37 (hg19) VCF-style: chr3-38766753-C-G.
Other names: c.3137G>C, p.Ser1046Thr (NM_001293306.2); c.2846G>C, p.Ser949Thr (NM_001293307.2); short protein forms S949T, S1046T, S1047T.
Identifiers: ClinVar variation 844925 (VCV000844925.6), dbSNP rs771555935, ClinGen allele CA352156749.